The following is an entry in ClinVar:

ClinVar aggregate classification (germline): Uncertain significance. Review status: criteria provided, single submitter (1 of 4 stars). 2 submissions from 2 submitters: Uncertain significance (1). 1 of the submissions does not count toward it. Last evaluated 2021-05-26.

Conditions:
POMT1-related disorder. Also called: POMT1-related condition; POMT1-related disorders.

Allele frequency attached by ClinVar (database versions not stated): gnomAD exomes below 0.00001 and 0.00001; ExAC 0.00001.
gnomAD v4.1: 7 of 1,614,220 alleles (0.00043%); highest among the groups gnomAD compares: Non-Finnish European, 0.00042%; no homozygotes.

Submissions (2):

GeneDx
Classification: Uncertain significance. Last evaluated: 2021-05-26. Review status: criteria provided, single submitter. Criteria: GeneDx Variant Classification Process June 2021. Collection method: clinical testing. Allele origin: germline. Affected: yes.
Comment: Not observed at significant frequency in large population cohorts (Lek et al., 2016); In silico analysis supports that this missense variant has a deleterious effect on protein structure/function; Has not been previously published as pathogenic or benign to our knowledge

PreventionGenetics, part of Exact Sciences
Classification: Uncertain significance for POMT1-related condition. Last evaluated: 2023-11-21. Review status: no assertion criteria provided. Collection method: clinical testing. Allele origin: germline. Not counted in ClinVar's aggregate classification.
Comment: The POMT1 c.899G>C variant is predicted to result in the amino acid substitution p.Ser300Thr. To our knowledge, this variant has not been reported in the literature. This variant is reported in 0.00088% of alleles in individuals of European (Non-Finnish) descent in gnomAD. At this time, the clinical significance of this variant is uncertain due to the absence of conclusive functional and genetic evidence.

NM_001077365.2(POMT1):c.833G>C (p.Ser278Thr)

Gene: POMT1 (protein O-mannosyltransferase 1; plus strand). Cytogenetic location: 9q34.13.
Variant type: single nucleotide variant.
Coding change: c.833G>C on transcript NM_001077365.2 (MANE Select); coding-DNA position 833, G replaced by C.
Protein change: p.Ser278Thr; replaces serine 278 with threonine.
Molecular consequence: missense variant. On other transcripts: non-coding transcript variant (10).
Genome position (GRCh38, 1-based): chr9:131,510,393, G>C. VCF-style: chr9-131510393-G-C. GRCh37 (hg19) VCF-style: chr9-134385780-G-C.
Other names: c.671G>C, p.Ser224Thr (NM_001077366.2, NM_001353194.2, NM_001374693.1); c.833G>C, p.Ser278Thr (NM_001136113.2, NM_001374690.1); c.482G>C, p.Ser161Thr (NM_001136114.2, NM_001353195.2, NM_001374691.1 and 1 more transcripts); c.899G>C, p.Ser300Thr (NM_001353193.2, NM_007171.4); c.743G>C, p.Ser248Thr (NM_001353196.2); c.737G>C, p.Ser246Thr (NM_001353197.2, NM_001353198.2); c.548G>C, p.Ser183Thr (NM_001353199.2); c.377G>C, p.Ser126Thr (NM_001353200.2); and 2 more; short protein forms Q272H, S126T, S148T, S161T, S183T, S224T, S246T, S248T.
Identifiers: ClinVar variation 1302210 (VCV001302210.4), dbSNP rs747874952, ClinGen allele CA5293448.
Genomic context (GRCh38, chr9:131,510,393, plus strand): 5'-TCTTCTACGTCCACTTGATTCTAGTCTTCCGCTCTGGGCCCCACGACCAAATCATGTCCA[G>C]TGCCTTCCAGGCCAGCTTAGAGGTAAGTAAGCAGTGGGCATCGTGGCCACTGGAGAAGGA-3'
Protein context (NP_001070833.1, residues 268-288): RSGPHDQIMS[Ser278Thr]AFQASLEGGL